The following is an entry in ClinVar:

ClinVar aggregate classification (germline): Uncertain significance. Review status: criteria provided, multiple submitters, no conflicts (2 of 4 stars). 2 submissions from 2 submitters: Uncertain significance (2). Last evaluated 2025-10-25.

gnomAD v4.1: 17 of 1,562,344 alleles (0.0011%); highest among the groups gnomAD compares: Non-Finnish European, 0.0014%; no homozygotes.

Submissions (2):

Labcorp Genetics (formerly Invitae), Labcorp
Classification: Uncertain significance. Last evaluated: 2025-10-25. Review status: criteria provided, single submitter. Criteria: Invitae Variant Classification Sherloc (09022015). Collection method: clinical testing. Allele origin: germline.
Comment: This sequence change replaces asparagine, which is neutral and polar, with lysine, which is basic and polar, at codon 362 of the IKZF1 protein (p.Asn362Lys). This variant is present in population databases (rs564476264, gnomAD 0.002%). This variant has not been reported in the literature in individuals affected with IKZF1-related conditions. ClinVar contains an entry for this variant (Variation ID: 1971738). An algorithm developed to predict the effect of missense changes on protein structure and function (PolyPhen-2) suggests that this variant is likely to be tolerated. In summary, the available evidence is currently insufficient to determine the role of this variant in disease. Therefore, it has been classified as a Variant of Uncertain Significance.

Blueprint Genetics
Classification: Uncertain significance. Last evaluated: 2023-10-19. Review status: criteria provided, single submitter. Criteria: ACMG Guidelines, 2015. Collection method: clinical testing. Allele origin: germline.

NM_006060.6(IKZF1):c.1086C>G (p.Asn362Lys)

Gene: IKZF1 (IKAROS family zinc finger 1; plus strand). Cytogenetic location: 7p12.2.
Variant type: single nucleotide variant.
Coding change: c.1086C>G on transcript NM_006060.6 (MANE Select); coding-DNA position 1086, C replaced by G.
Protein change: p.Asn362Lys; replaces asparagine 362 with lysine.
Molecular consequence: missense variant.
Genome position (GRCh38, 1-based): chr7:50,400,153, C>G. VCF-style: chr7-50400153-C-G. GRCh37 (hg19) VCF-style: chr7-50467851-C-G.
Other names: c.960C>G, p.Asn320Lys (NM_001220765.3, NM_001291837.2); c.795C>G, p.Asn265Lys (NM_001220767.2); c.825C>G, p.Asn275Lys (NM_001220768.2, NM_001291838.2); c.669C>G, p.Asn223Lys (NM_001220770.2); c.657C>G, p.Asn219Lys (NM_001220771.2, NM_001291841.1); c.699C>G, p.Asn233Lys (NM_001291839.2); c.396C>G, p.Asn132Lys (NM_001291840.1); c.627C>G, p.Asn209Lys (NM_001291842.1); and 3 more; short protein forms N219K, N177K, N209K, N265K, N275K, N320K, N167K, N382K.
Identifiers: ClinVar variation 1971738 (VCV001971738.6), dbSNP rs564476264, ClinGen allele CA4261461.